The following is an entry in ClinVar:

NM_004736.4(XPR1):c.289G>T (p.Ala97Ser)

Gene: XPR1 (xenotropic and polytropic retrovirus receptor 1; plus strand). Cytogenetic location: 1q25.3.
Variant type: single nucleotide variant.
Coding change: c.289G>T on transcript NM_004736.4 (MANE Select); coding-DNA position 289, G replaced by T.
Protein change: p.Ala97Ser; replaces alanine 97 with serine.
Molecular consequence: missense variant. On other transcripts: non-coding transcript variant (1).
Genome position (GRCh38, 1-based): chr1:180,803,453, G>T. VCF-style: chr1-180803453-G-T. GRCh37 (hg19) VCF-style: chr1-180772589-G-T.
Other names: c.289G>T, p.Ala97Ser (NM_001135669.2, NM_001328662.2); short protein forms A97S.
Identifiers: ClinVar variation 1521721 (VCV001521721.8), dbSNP rs756319971, ClinGen allele CA34130969.
Genomic context (GRCh38, chr1:180,803,453, plus strand): 5'-CTCGCAGAGGCTCAGCGCAGGTTTGCTACACTTCAGAATGAGCTTCAGTCATCACTGGAT[G>T]CACAGAAAGAAAGCACTGGTGTTACTACGCTGCGACAACGCAGAAAGCCAGTCTTCCACT-3'
Protein context (NP_004727.2, residues 87-107): LQNELQSSLD[Ala97Ser]QKESTGVTTL

ClinVar aggregate classification (germline): Uncertain significance (1 of 4 stars; one submission).

Allele frequency attached by ClinVar (database versions not stated): gnomAD exomes below 0.00001 and 0.00001; TOPMed below 0.00001; gnomAD 0.00001.
gnomAD v4.1: 6 of 1,613,958 alleles (0.00037%); highest among the groups gnomAD compares: Non-Finnish European, 0.00042%; no homozygotes.

Submission:

Labcorp Genetics (formerly Invitae), Labcorp
Classification: Uncertain significance. Last evaluated: 2021-08-17. Review status: criteria provided, single submitter. Criteria: Invitae Variant Classification Sherloc (09022015). Collection method: clinical testing. Allele origin: germline.
Comment: This sequence change replaces alanine with serine at codon 97 of the XPR1 protein (p.Ala97Ser). The alanine residue is moderately conserved and there is a moderate physicochemical difference between alanine and serine. This variant is not present in population databases (ExAC no frequency). This variant has not been reported in the literature in individuals with XPR1-related conditions. Algorithms developed to predict the effect of missense changes on protein structure and function (SIFT, PolyPhen-2, Align-GVGD) all suggest that this variant is likely to be tolerated, but these predictions have not been confirmed by published functional studies and their clinical significance is uncertain. In summary, the available evidence is currently insufficient to determine the role of this variant in disease. Therefore, it has been classified as a Variant of Uncertain Significance.